The following is an entry in ClinVar:

NM_001943.5(DSG2):c.45+6T>C

Genes: DSG2 (desmoglein 2; plus strand), LOC130062340 (ATAC-STARR-seq lymphoblastoid silent region 9384; plus strand). Cytogenetic location: 18q12.1.
Variant type: single nucleotide variant.
Coding change: c.45+6T>C on transcript NM_001943.5 (MANE Select); 6 bases into the intron after coding-DNA position 45, T replaced by C.
Molecular consequence: intron variant.
Genome position (GRCh38, 1-based): chr18:31,498,302, T>C. VCF-style: chr18-31498302-T-C. GRCh37 (hg19) VCF-style: chr18-29078265-T-C.
Identifiers: ClinVar variation 923077 (VCV000923077.9), dbSNP rs2072994676, ClinGen allele CA913189043.

ClinVar aggregate classification (germline): Conflicting classifications of pathogenicity. Review status: criteria provided, conflicting classifications (1 of 4 stars). 3 submissions from 3 submitters: Uncertain significance (1); Likely benign (2). Last evaluated 2024-01-11.

Conditions:
Arrhythmogenic right ventricular cardiomyopathy (ARVD). Also called: Arrhythmogenic cardiomyopathy; Cardiomyopathy, ARVC; Arrhythmogenic right ventricular dysplasia; Arrhythmogenic Right Ventricular Cardiomyopathy (ARVC). Identifiers: Orphanet 247, MedGen C0349788, MeSH D019571, MONDO:0016587. Disease mechanism: loss of function. Inheritance: Various modes of inheritance.
Cardiomyopathy (CMYO). Also called: Cardiomyopathies. Identifiers: Orphanet 167848, MedGen C0878544, MONDO:0004994, HP:0001638. Inheritance: Various modes of inheritance.
Arrhythmogenic right ventricular dysplasia 10. Also called: Arrhythmogenic Right Ventricular Dysplasia/Cardiomyopathy10; ARRHYTHMOGENIC RIGHT VENTRICULAR DYSPLASIA, FAMILIAL, 10; Arrhythmogenic right ventricular dysplasia/cardiomyopathy, type 10. Identifiers: MedGen C1857777, MONDO:0012434, OMIM 610193.

Allele frequency attached by ClinVar (database versions not stated): gnomAD exomes below 0.00001; TOPMed 0.00001.
gnomAD v4.1: 4 of 1,263,174 alleles (0.00032%); highest among the groups gnomAD compares: Non-Finnish European, 0.0004%; no homozygotes.

Submissions (3):

All of Us Research Program, National Institutes of Health
Classification: Likely benign for Arrhythmogenic right ventricular cardiomyopathy. Last evaluated: 2024-01-11. Review status: criteria provided, single submitter. Criteria: ACMG Guidelines, 2015. Collection method: clinical testing. Allele origin: germline. Inheritance: Autosomal dominant inheritance. Observed: 3 variant alleles, 3 heterozygotes.
Comment: This study involves interpretation of variants in research participants for the purpose of population health screening. Participant phenotype was not available at the time of variant classification. Additional details can be found in publication PMID: 35346344, PMCID: PMC8962531

Labcorp Genetics (formerly Invitae), Labcorp
Classification: Uncertain significance for Arrhythmogenic right ventricular dysplasia 10. Last evaluated: 2021-08-31. Review status: criteria provided, single submitter. Criteria: Invitae Variant Classification Sherloc (09022015). Collection method: clinical testing. Allele origin: germline.
Comment: This sequence change falls in intron 1 of the DSG2 gene. It does not directly change the encoded amino acid sequence of the DSG2 protein. It affects a nucleotide within the consensus splice site of the intron. The frequency data for this variant in the population databases is considered unreliable, as metrics indicate insufficient coverage at this position in the ExAC database. This variant has not been reported in the literature in individuals affected with DSG2-related conditions. Variants that disrupt the consensus splice site are a relatively common cause of aberrant splicing (PMID: 17576681, 9536098). Algorithms developed to predict the effect of sequence changes on RNA splicing suggest that this variant may disrupt the consensus splice site. In summary, the available evidence is currently insufficient to determine the role of this variant in disease. Therefore, it has been classified as a Variant of Uncertain Significance.

Color Diagnostics, LLC DBA Color Health
Classification: Likely benign for Cardiomyopathy. Last evaluated: 2019-01-06. Review status: criteria provided, single submitter. Criteria: ACMG Guidelines, 2015. Collection method: clinical testing. Allele origin: germline.

Literature cited by the submitters: PubMed 17576681 (cited by Labcorp Genetics (formerly Invitae), Labcorp); PubMed 9536098 (cited by Labcorp Genetics (formerly Invitae), Labcorp).